The following is an entry in ClinVar:

ClinVar aggregate classification (germline): Likely benign. Review status: criteria provided, multiple submitters, no conflicts (2 of 4 stars). 5 submissions from 5 submitters: Likely benign (5). Last evaluated 2026-01-22.

Conditions:
Cardiovascular phenotype. Identifiers: MedGen CN230736.

Allele frequency attached by ClinVar (database versions not stated): gnomAD 0.00005 and 0.00006; TOPMed 0.00005; gnomAD exomes 0.00006 and 0.00012; 1000 Genomes Project 30x 0.00016; 1000 Genomes Project 0.00020; ExAC 0.00022.
gnomAD v4.1: 91 of 1,549,786 alleles (0.0059%); highest among the groups gnomAD compares: Middle Eastern, 0.033%; no homozygotes.

Submissions (5):

Labcorp Genetics (formerly Invitae), Labcorp
Classification: Likely benign. Last evaluated: 2026-01-22. Review status: criteria provided, single submitter. Criteria: Invitae Variant Classification Sherloc (09022015). Collection method: clinical testing. Allele origin: germline.

CeGaT Center for Human Genetics Tuebingen
Classification: Likely benign. Last evaluated: 2026-01-01. Review status: criteria provided, single submitter. Criteria: CeGaT Center For Human Genetics Tuebingen Variant Classification Criteria Version 2. Collection method: clinical testing. Allele origin: germline. Affected: yes. Observed: 1 variant allele.
Comment: ZNF469: BP4, BP7

Women's Health and Genetics/Laboratory Corporation of America, LabCorp
Classification: Likely benign. Last evaluated: 2024-12-09. Review status: criteria provided, single submitter. Criteria: LabCorp Variant Classification Summary - May 2015. Collection method: clinical testing. Allele origin: germline.

Blueprint Genetics
Classification: Likely benign. Last evaluated: 2024-07-24. Review status: criteria provided, single submitter. Criteria: ACMG Guidelines, 2015. Collection method: clinical testing. Allele origin: germline.

Ambry Genetics
Classification: Likely benign for Cardiovascular phenotype. Last evaluated: 2019-09-30. Review status: criteria provided, single submitter. Criteria: Ambry Variant Classification Scheme 2023. Collection method: clinical testing. Allele origin: germline.

NM_001367624.2(ZNF469):c.4317G>A (p.Thr1439=)

Gene: ZNF469 (zinc finger protein 469; plus strand). Cytogenetic location: 16q24.2.
Variant type: single nucleotide variant.
Coding change: c.4317G>A on transcript NM_001367624.2 (MANE Select); coding-DNA position 4317, G replaced by A.
Protein change: p.Thr1439=; no amino-acid change (threonine 1439 retained).
Molecular consequence: synonymous variant.
Genome position (GRCh38, 1-based): chr16:88,431,787, G>A. VCF-style: chr16-88431787-G-A. GRCh37 (hg19) VCF-style: chr16-88498195-G-A.
Other names: NM_001127464.1:c.4233G>A.
Identifiers: ClinVar variation 1563495 (VCV001563495.16), dbSNP rs537125745, ClinGen allele CA8224937.